The following is an entry in ClinVar:

ClinVar aggregate classification (germline): Benign/Likely benign. Review status: criteria provided, multiple submitters, no conflicts (2 of 4 stars). 3 submissions from 3 submitters: Benign (1); Likely benign (2). Last evaluated 2025-08-03.

Conditions:
Familial cancer of breast. Also called: hereditary breast carcinoma; Hereditary breast cancer; BREAST CANCER, FAMILIAL. Identifiers: Orphanet 227535, MedGen C0346153, MONDO:0016419, OMIM 114480. Disease mechanism: loss of function.
Ataxia-telangiectasia syndrome (AT). Also called: Cerebello-oculocutaneous telangiectasia; Immunodeficiency with ataxia telangiectasia; Ataxia-telangiectasia, complementation group D; AT, COMPLEMENTATION GROUP C; ATAXIA-TELANGIECTASIA, COMPLEMENTATION GROUP A; ATAXIA-TELANGIECTASIA, FRESNO VARIANT. Identifiers: Orphanet 100, MedGen C0004135, MONDO:0008840, OMIM 208900.
Hereditary cancer-predisposing syndrome. Also called: Neoplastic Syndromes, Hereditary; Hereditary neoplastic syndrome; Hereditary Cancer Syndrome; Tumor predisposition. Identifiers: Orphanet 140162, MedGen C0027672, MeSH D009386, MONDO:0015356.

Allele frequency attached by ClinVar (database versions not stated): gnomAD exomes below 0.00001; gnomAD 0.00001; TOPMed 0.00002.
gnomAD v4.1: 3 of 1,613,876 alleles (0.00019%); highest among the groups gnomAD compares: African/African-American, 0.004%; no homozygotes.

Submissions (3):

Labcorp Genetics (formerly Invitae), Labcorp
Classification: Likely benign for Ataxia-telangiectasia syndrome. Last evaluated: 2025-08-03. Review status: criteria provided, single submitter. Criteria: Invitae Variant Classification Sherloc (09022015). Collection method: clinical testing. Allele origin: germline.

Myriad Genetics, Inc.
Classification: Benign for Familial cancer of breast. Last evaluated: 2024-04-25. Review status: criteria provided, single submitter. Criteria: Myriad Autosomal Dominant, Autosomal Recessive and X-Linked Classification Criteria (2023). Collection method: clinical testing. Allele origin: unknown.
Comment: This variant is considered benign. This variant is a silent/synonymous amino acid change and it is not expected to impact splicing.

Ambry Genetics
Classification: Likely benign for Hereditary cancer-predisposing syndrome. Last evaluated: 2020-11-02. Review status: criteria provided, single submitter. Criteria: Ambry Variant Classification Scheme 2023. Collection method: clinical testing. Allele origin: germline.

NM_000051.4(ATM):c.1203G>A (p.Gln401=)

Gene: ATM (ATM serine/threonine kinase; plus strand). Cytogenetic location: 11q22.3.
Variant type: single nucleotide variant.
Coding change: c.1203G>A on transcript NM_000051.4 (MANE Select); coding-DNA position 1203, G replaced by A.
Protein change: p.Gln401=; no amino-acid change (glutamine 401 retained).
Molecular consequence: synonymous variant.
Genome position (GRCh38, 1-based): chr11:108,249,070, G>A. VCF-style: chr11-108249070-G-A. GRCh37 (hg19) VCF-style: chr11-108119797-G-A.
Other names: c.1203G>A, p.Gln401= (NM_001351834.2).
Identifiers: ClinVar variation 1101426 (VCV001101426.12), dbSNP rs1214283617, ClinGen allele CA476671779.